The following is an entry in ClinVar:

NM_001291415.2(KDM6A):c.676G>C (p.Glu226Gln)

Gene: KDM6A (lysine demethylase 6A; plus strand). Cytogenetic location: Xp11.3.
Variant type: single nucleotide variant.
Coding change: c.676G>C on transcript NM_001291415.2 (MANE Select); coding-DNA position 676, G replaced by C.
Protein change: p.Glu226Gln; replaces glutamic acid 226 with glutamine.
Molecular consequence: missense variant. On other transcripts: 5 prime UTR variant (1), non-coding transcript variant (1).
Genome position (GRCh38, 1-based): chrX:45,051,730, G>C. VCF-style: chrX-45051730-G-C. GRCh37 (hg19) VCF-style: chrX-44910975-G-C.
Other names: c.676G>C (NM_021140.3); c.676G>C, p.Glu226Gln (NM_001291416.2, NM_001291417.2, NM_001291418.2 and 9 more transcripts); c.-78G>C (NM_001291421.2); short protein forms E226Q.
Identifiers: ClinVar variation 2501313 (VCV002501313.4), dbSNP rs2043859303, ClinGen allele CA412778188.

ClinVar aggregate classification (germline): Uncertain significance. Review status: criteria provided, multiple submitters, no conflicts (2 of 4 stars). 4 submissions from 4 submitters: Uncertain significance (4). Last evaluated 2026-03-17.

Conditions:
Inborn genetic diseases. Identifiers: MedGen C0950123, MeSH D030342.
KDM6A-related disorder. Also called: KDM6A-related condition.
Kabuki syndrome 2 (KABUK2). Also called: KDM6A-Related Kabuki Syndrome. Identifiers: Orphanet 2322, MedGen C3275495, MONDO:0010465, OMIM 300867.

Allele frequency attached by ClinVar (database versions not stated): gnomAD 0.00002; TOPMed 0.00002.
gnomAD v4.1: 2 of 1,176,469 alleles (0.00017%); highest among the groups gnomAD compares: Admixed American, 0.0022%; no homozygotes.

Submissions (4):

PreventionGenetics, part of Exact Sciences
Classification: Uncertain significance for KDM6A-related condition. Last evaluated: 2026-03-17. Review status: criteria provided, single submitter. Criteria: ACMG Guidelines, 2015. Collection method: clinical testing. Allele origin: germline.
Comment: The KDM6A c.676G>C variant is predicted to result in the amino acid substitution p.Glu226Gln. To our knowledge, this variant has not been reported in the literature or in a large population database (gnomAD), indicating this variant is rare. At this time, the clinical significance of this variant is uncertain due to the absence of conclusive functional and genetic evidence.

Fulgent Genetics
Classification: Uncertain significance for Kabuki syndrome 2. Last evaluated: 2024-06-20. Review status: criteria provided, single submitter. Criteria: ACMG Guidelines, 2015. Collection method: clinical testing. Allele origin: germline.

Ambry Genetics
Classification: Uncertain significance for Inborn genetic diseases. Last evaluated: 2023-11-14. Review status: criteria provided, single submitter. Criteria: Ambry Variant Classification Scheme 2023. Collection method: clinical testing. Allele origin: germline.

GeneDx
Classification: Uncertain significance. Last evaluated: 2023-05-04. Review status: criteria provided, single submitter. Criteria: GeneDx Variant Classification Process June 2021. Collection method: clinical testing. Allele origin: germline. Affected: yes.
Comment: In silico analysis supports that this missense variant has a deleterious effect on protein structure/function; Not observed at significant frequency in large population cohorts (gnomAD); Has not been previously published as pathogenic or benign to our knowledge